The following is an entry in ClinVar:

NM_001614.5(ACTG1):c.484A>G (p.Thr162Ala)

Gene: ACTG1 (actin gamma 1; minus strand). Cytogenetic location: 17q25.3.
Variant type: single nucleotide variant.
Coding change: c.484A>G on transcript NM_001614.5 (MANE Select); coding-DNA position 484, A replaced by G.
Protein change: p.Thr162Ala; replaces threonine 162 with alanine.
Molecular consequence: missense variant. On other transcripts: non-coding transcript variant (1).
Genome position (GRCh38, 1-based): chr17:81,511,506, T>C on the plus strand (A>G on the coding strand, the complement: ACTG1 is on the minus strand). VCF-style: chr17-81511506-T-C. GRCh37 (hg19) VCF-style: chr17-79478532-T-C.
Other names: p.Thr162Ala; c.484A>G, p.Thr162Ala (NM_001199954.3); short protein forms T162A.
Identifiers: ClinVar variation 1723898 (VCV001723898.3), dbSNP rs2544389447, ClinGen allele CA401460997.
Genomic context (GRCh38, chr17:81,511,506, plus strand): 5'-CAGCCAGGTCCAGACGCAGGATGGCGTGGGGGAGGGCGTAGCCCTCGTAGATGGGCACCG[T>C]GTGGGTGACCCCGTCTCCAGAGTCCATGACAATGCCAGTGGTGCGCCCAGAGGCGTAGAG-3'
Protein context (NP_001605.1, residues 152-172): VMDSGDGVTH[Thr162Ala]VPIYEGYALP

ClinVar aggregate classification (germline): Uncertain significance (1 of 4 stars; one submission).

Conditions:
Baraitser-winter syndrome 2. Identifiers: Orphanet 2995, MedGen C3281235, MONDO:0013812, OMIM 614583.

Submission:

Foundation for Research in Genetics and Endocrinology, FRIGE's Institute of Human Genetics
Classification: Uncertain significance for Baraitser-winter syndrome 2. Last evaluated: 2022-09-26. Review status: criteria provided, single submitter. Criteria: ACMG Guidelines, 2015. Collection method: clinical testing. Allele origin: germline. Inheritance: Autosomal dominant inheritance. Affected: yes. Observed: 1 heterozygote.
Comment: A heterozygous missense variation in exon 4 of the ACTG1 gene that results in the amino acid substitution of Alanine for Threonine at codon 162 was detected . This variant has not been reported in the 1000 genomes, gnomAD databases. The in silico predictions# of the variant are probably damaging by PolyPhen-2 (HumDiv) and damaging by LRT and by MutationTaster2. The reference codon is conserved across species. In summary, the variant meets our criteria to be classified as a variant of uncertain significance.